The following is an entry in ClinVar:

NM_198334.3(GANAB):c.560+451C>T

Gene: GANAB (glucosidase II alpha subunit; minus strand). Cytogenetic location: 11q12.3.
Variant type: single nucleotide variant.
Coding change: c.560+451C>T on transcript NM_198334.3 (MANE Select); 451 bases into the intron after coding-DNA position 560, C replaced by T.
Molecular consequence: intron variant. On other transcripts: missense variant (2).
Genome position (GRCh38, 1-based): chr11:62,634,370, G>A on the plus strand (C>T on the coding strand, the complement: GANAB is on the minus strand). VCF-style: chr11-62634370-G-A. GRCh37 (hg19) VCF-style: chr11-62401842-G-A.
Other names: c.224C>T, p.Ser75Leu (NM_001278192.2); c.566C>T, p.Ser189Leu (NM_198335.4); c.218+451C>T (NM_001278193.2); c.269+451C>T (NM_001329223.2, NM_001278194.2, NM_001329222.2); c.-217+451C>T (NM_001329225.2, NM_001329224.2); short protein forms S75L, S189L.
Identifiers: ClinVar variation 1902533 (VCV001902533.6), dbSNP rs182247032, ClinGen allele CA6051049.

ClinVar aggregate classification (germline): Uncertain significance. Review status: criteria provided, multiple submitters, no conflicts (2 of 4 stars). 2 submissions from 2 submitters: Uncertain significance (2). Last evaluated 2024-11-11.

Conditions:
Polycystic kidney disease 3 with or without polycystic liver disease. Also called: Polycystic kidney disease 3; Polycystic Kidney and/or Polycystic Liver Disease 3; POLYCYSTIC KIDNEY DISEASE, ADULT, TYPE III. Identifiers: MedGen C3887964, MONDO:0010916, OMIM 600666.

Allele frequency attached by ClinVar (database versions not stated): ExAC 0.00002; gnomAD 0.00002; gnomAD exomes 0.00002; TOPMed 0.00002; 1000 Genomes Project 30x 0.00031; 1000 Genomes Project 0.00040.
gnomAD v4.1: 30 of 1,607,466 alleles (0.0019%); highest among the groups gnomAD compares: Non-Finnish European, 0.0022%; no homozygotes.

Submissions (2):

Labcorp Genetics (formerly Invitae), Labcorp
Classification: Uncertain significance. Last evaluated: 2024-11-11. Review status: criteria provided, single submitter. Criteria: Invitae Variant Classification Sherloc (09022015). Collection method: clinical testing. Allele origin: germline.
Comment: This sequence change replaces serine, which is neutral and polar, with leucine, which is neutral and non-polar, at codon 189 of the GANAB protein (p.Ser189Leu). This variant is present in population databases (rs182247032, gnomAD 0.009%). This variant has not been reported in the literature in individuals affected with GANAB-related conditions. ClinVar contains an entry for this variant (Variation ID: 1902533). Invitae Evidence Modeling of protein sequence and biophysical properties (such as structural, functional, and spatial information, amino acid conservation, physicochemical variation, residue mobility, and thermodynamic stability) indicates that this missense variant is expected to disrupt GANAB protein function with a positive predictive value of 95%. In summary, the available evidence is currently insufficient to determine the role of this variant in disease. Therefore, it has been classified as a Variant of Uncertain Significance.

Fulgent Genetics
Classification: Uncertain significance for Polycystic kidney disease 3 with or without polycystic liver disease. Last evaluated: 2024-02-28. Review status: criteria provided, single submitter. Criteria: ACMG Guidelines, 2015. Collection method: clinical testing. Allele origin: germline.